The following is an entry in ClinVar:

ClinVar aggregate classification (germline): Uncertain significance. Review status: criteria provided, multiple submitters, no conflicts (2 of 4 stars). 2 submissions from 2 submitters: Uncertain significance (2). Last evaluated 2025-07-10.

Conditions:
Benign neonatal seizures. Also called: Benign familial neonatal seizures; Convulsions benign familial neonatal dominant form; Autosomal dominant form of benign neonatal seizures; Benign familial neonatal epilepsy; Benign neonatal familial convulsions. Identifiers: Orphanet 1949, MedGen C0220669, MONDO:0016027.

Submissions (2):

GeneDx
Classification: Uncertain significance. Last evaluated: 2025-07-10. Review status: criteria provided, single submitter. Criteria: GeneDx Variant Classification Process June 2021. Collection method: clinical testing. Allele origin: germline. Affected: yes.
Comment: Not observed at significant frequency in large population cohorts (gnomAD); In silico analysis suggests that this missense variant does not alter protein structure/function; Has not been previously published as pathogenic or benign to our knowledge

Labcorp Genetics (formerly Invitae), Labcorp
Classification: Uncertain significance for Benign neonatal seizures. Last evaluated: 2025-04-22. Review status: criteria provided, single submitter. Criteria: Invitae Variant Classification Sherloc (09022015). Collection method: clinical testing. Allele origin: germline.
Comment: This sequence change replaces methionine, which is neutral and non-polar, with valine, which is neutral and non-polar, at codon 647 of the KCNQ3 protein (p.Met647Val). This variant is not present in population databases (gnomAD no frequency). This variant has not been reported in the literature in individuals affected with KCNQ3-related conditions. Invitae Evidence Modeling of protein sequence and biophysical properties (such as structural, functional, and spatial information, amino acid conservation, physicochemical variation, residue mobility, and thermodynamic stability) indicates that this missense variant is not expected to disrupt KCNQ3 protein function with a negative predictive value of 80%. In summary, the available evidence is currently insufficient to determine the role of this variant in disease. Therefore, it has been classified as a Variant of Uncertain Significance.

NM_004519.4(KCNQ3):c.1939A>G (p.Met647Val)

Gene: KCNQ3 (potassium voltage-gated channel subfamily Q member 3; minus strand). Cytogenetic location: 8q24.22.
Variant type: single nucleotide variant.
Coding change: c.1939A>G on transcript NM_004519.4 (MANE Select); coding-DNA position 1939, A replaced by G.
Protein change: p.Met647Val; replaces methionine 647 with valine.
Molecular consequence: missense variant.
Genome position (GRCh38, 1-based): chr8:132,129,942, T>C on the plus strand (A>G on the coding strand, the complement: KCNQ3 is on the minus strand). VCF-style: chr8-132129942-T-C. GRCh37 (hg19) VCF-style: chr8-133142189-T-C.
Other names: c.1579A>G, p.Met527Val (NM_001204824.2); short protein forms M527V, M647V.
Identifiers: ClinVar variation 4685054 (VCV004685054.2).